The following is an entry in ClinVar:

ClinVar aggregate classification (germline): Uncertain significance (1 of 4 stars; one submission).

gnomAD v4.1: 1 of 1,414,044 alleles (0.000071%); highest among the groups gnomAD compares: Non-Finnish European, 0.000096%; no homozygotes.

Submission:

Labcorp Genetics (formerly Invitae), Labcorp
Classification: Uncertain significance. Last evaluated: 2024-12-17. Review status: criteria provided, single submitter. Criteria: Invitae Variant Classification Sherloc (09022015). Collection method: clinical testing. Allele origin: germline.
Comment: This sequence change replaces proline, which is neutral and non-polar, with leucine, which is neutral and non-polar, at codon 624 of the IL6ST protein (p.Pro624Leu). This variant is not present in population databases (gnomAD no frequency). This variant has not been reported in the literature in individuals affected with IL6ST-related conditions. An algorithm developed to predict the effect of missense changes on protein structure and function (PolyPhen-2) suggests that this variant is likely to be tolerated. In summary, the available evidence is currently insufficient to determine the role of this variant in disease. Therefore, it has been classified as a Variant of Uncertain Significance.

NM_002184.4(IL6ST):c.1871C>T (p.Pro624Leu)

Gene: IL6ST (interleukin 6 cytokine family signal transducer; minus strand). Cytogenetic location: 5q11.2.
Variant type: single nucleotide variant.
Coding change: c.1871C>T on transcript NM_002184.4 (MANE Select); coding-DNA position 1871, C replaced by T.
Protein change: p.Pro624Leu; replaces proline 624 with leucine.
Molecular consequence: missense variant. On other transcripts: 3 prime UTR variant (1), non-coding transcript variant (2).
Genome position (GRCh38, 1-based): chr5:55,947,559, G>A on the plus strand (C>T on the coding strand, the complement: IL6ST is on the minus strand). VCF-style: chr5-55947559-G-A. GRCh37 (hg19) VCF-style: chr5-55243387-G-A.
Other names: c.1688C>T, p.Pro563Leu (NM_001190981.2); c.1769C>T, p.Pro590Leu (NM_001364275.2); c.1661C>T, p.Pro554Leu (NM_001364276.2); c.1004C>T, p.Pro335Leu (NM_001364277.2); c.968C>T, p.Pro323Leu (NM_001364278.2); c.875C>T, p.Pro292Leu (NM_001364279.2); c.*798C>T (NM_175767.3); short protein forms P335L, P554L, P624L, P292L, P323L, P563L, P590L.
Identifiers: ClinVar variation 3675094 (VCV003675094.2).